The following is an entry in ClinVar:

ClinVar aggregate classification (germline): Uncertain significance (1 of 4 stars; one submission).

Conditions:
Leber congenital amaurosis 8 (LCA8). Identifiers: Orphanet 65, MedGen C3151202, MONDO:0013453, OMIM 613835.
Retinitis pigmentosa 12 (RP12). Also called: RP WITH OR WITHOUT PRESERVED PARAARTERIOLE RETINAL PIGMENT EPITHELIUM; RETINITIS PIGMENTOSA WITH OR WITHOUT PARAARTERIOLAR PRESERVATION OF RETINAL PIGMENT EPITHELIUM; RP WITH OR WITHOUT PPRPE. Identifiers: Orphanet 791, MedGen C1838647, MONDO:0010818, OMIM 600105.

Submission:

Labcorp Genetics (formerly Invitae), Labcorp
Classification: Uncertain significance for Leber congenital amaurosis 8; Retinitis pigmentosa 12. Last evaluated: 2022-09-07. Review status: criteria provided, single submitter. Criteria: Invitae Variant Classification Sherloc (09022015). Collection method: clinical testing. Allele origin: germline.
Comment: This sequence change replaces glycine, which is neutral and non-polar, with aspartic acid, which is acidic and polar, at codon 714 of the CRB1 protein (p.Gly714Asp). This variant is not present in population databases (gnomAD no frequency). This missense change has been observed in individual(s) with CRB1-related conditions. (Invitae). ClinVar contains an entry for this variant (Variation ID: 1508963). Advanced modeling of protein sequence and biophysical properties (such as structural, functional, and spatial information, amino acid conservation, physicochemical variation, residue mobility, and thermodynamic stability) performed at Invitae indicates that this missense variant is expected to disrupt CRB1 protein function. In summary, the available evidence is currently insufficient to determine the role of this variant in disease. Therefore, it has been classified as a Variant of Uncertain Significance.

NM_201253.3(CRB1):c.2141G>A (p.Gly714Asp)

Gene: CRB1 (crumbs cell polarity complex component 1; plus strand). Cytogenetic location: 1q31.3.
Variant type: single nucleotide variant.
Coding change: c.2141G>A on transcript NM_201253.3 (MANE Select); coding-DNA position 2141, G replaced by A.
Protein change: p.Gly714Asp; replaces glycine 714 with aspartic acid.
Molecular consequence: missense variant. On other transcripts: non-coding transcript variant (2), intron variant (1).
Genome position (GRCh38, 1-based): chr1:197,427,466, G>A. VCF-style: chr1-197427466-G-A. GRCh37 (hg19) VCF-style: chr1-197396596-G-A.
Other names: c.1805G>A, p.Gly602Asp (NM_001193640.2); c.1934G>A, p.Gly645Asp (NM_001257965.2); c.2128+5510G>A (NM_001257966.2); short protein forms G602D, G645D, G714D.
Identifiers: ClinVar variation 1508963 (VCV001508963.8), dbSNP rs2125483555, ClinGen allele CA344036330.
Genomic context (GRCh38, chr1:197,427,466, plus strand): 5'-TAAGATGTTTCTTTTTTTTTCTCCTCCTCCTCTATTTTGACATTGAAGAGTATGTGGCAG[G>A]CAGATTTGGCCAGGATGACTCCACTGGTTATGTCATCTTTACTCTTGATGAGAGCTATGG-3'
Protein context (NP_957705.1, residues 704-724): GPNCLREYVA[Gly714Asp]RFGQDDSTGY